The following is an entry in ClinVar:

ClinVar aggregate classification (germline): Uncertain significance. Review status: criteria provided, multiple submitters, no conflicts (2 of 4 stars). 3 submissions from 3 submitters: Uncertain significance (3). Last evaluated 2025-11-25.

Conditions:
Pfeiffer syndrome (ACS5). Also called: ACS V. Identifiers: Orphanet 710, MedGen C0220658, MONDO:0007043, OMIM 101600.
Hypogonadotropic hypogonadism 2 with or without anosmia (HH2). Also called: FGFR1-Related GnRH Deficiency (Kallmann Syndrome 2); HYPOGONADOTROPIC HYPOGONADISM 2 WITHOUT ANOSMIA; HYPOGONADOTROPIC HYPOGONADISM 2 WITH OR WITHOUT ANOSMIA, SUSCEPTIBILITY TO; HYPOGONADOTROPIC HYPOGONADISM 2 WITHOUT ANOSMIA, SUSCEPTIBILITY TO. Identifiers: Orphanet 478, MedGen C1563720, MONDO:0007844, OMIM 147950. Disease mechanism: loss of function.
Encephalocraniocutaneous lipomatosis (ECCL). Identifiers: Orphanet 2396, MedGen C0406612, MONDO:0013074, OMIM 613001.
Hartsfield-Bixler-Demyer syndrome (HRTFDS). Also called: Holoprosencephaly, ectrodactyly, and bilateral cleft lip/palate; FGFR1-Related Hartsfield Syndrome; Hartsfield syndrome. Identifiers: Orphanet 2117, MedGen C1845146, MONDO:0014196, OMIM 615465. Disease mechanism: loss of function.
Trigonocephaly 1 (TRIGNO1). Identifiers: Orphanet 3366, MedGen C0432122, MONDO:0008603, OMIM 190440.
Jackson-Weiss syndrome (JWS). Also called: CRANIOSYNOSTOSIS, MIDFACIAL HYPOPLASIA, AND FOOT ABNORMALITIES. Identifiers: Orphanet 1540, MedGen C0795998, MONDO:0007400, OMIM 123150. Disease mechanism: loss of function.
Osteoglophonic dysplasia (OGD). Also called: Osteoglophonic dwarfism. Identifiers: Orphanet 2645, MedGen C0432283, MONDO:0008150, OMIM 166250.

Allele frequency attached by ClinVar (database versions not stated): TOPMed below 0.00001; gnomAD 0.00001; gnomAD exomes 0.00001 and 0.00003; ExAC 0.00002.
gnomAD v4.1: 9 of 1,614,000 alleles (0.00056%); highest among the groups gnomAD compares: Admixed American, 0.012%; no homozygotes.

Submissions (3):

Labcorp Genetics (formerly Invitae), Labcorp
Classification: Uncertain significance for Pfeiffer syndrome; Hypogonadotropic hypogonadism 2 with or without anosmia. Last evaluated: 2025-11-25. Review status: criteria provided, single submitter. Criteria: Invitae Variant Classification Sherloc (09022015). Collection method: clinical testing. Allele origin: germline.
Comment: This sequence change replaces glutamic acid, which is acidic and polar, with lysine, which is basic and polar, at codon 592 of the FGFR1 protein (p.Glu592Lys). This variant is present in population databases (rs755002934, gnomAD 0.02%). This variant has not been reported in the literature in individuals affected with FGFR1-related conditions. ClinVar contains an entry for this variant (Variation ID: 1386784). Invitae Evidence Modeling of protein sequence and biophysical properties (such as structural, functional, and spatial information, amino acid conservation, physicochemical variation, residue mobility, and thermodynamic stability) indicates that this missense variant is not expected to disrupt FGFR1 protein function with a negative predictive value of 80%. In summary, the available evidence is currently insufficient to determine the role of this variant in disease. Therefore, it has been classified as a Variant of Uncertain Significance.

Fulgent Genetics
Classification: Uncertain significance for Pfeiffer syndrome; Jackson-Weiss syndrome; Hypogonadotropic hypogonadism 2 with or without anosmia; Osteoglophonic dysplasia; Trigonocephaly 1; Encephalocraniocutaneous lipomatosis; Hartsfield-Bixler-Demyer syndrome. Last evaluated: 2024-02-28. Review status: criteria provided, single submitter. Criteria: ACMG Guidelines, 2015. Collection method: clinical testing. Allele origin: germline.

Clinical Genomics Laboratory, Washington University in St. Louis
Classification: Uncertain significance for Pfeiffer syndrome. Last evaluated: 2023-09-08. Review status: criteria provided, single submitter. Criteria: ACMG Guidelines, 2015. Collection method: clinical testing. Allele origin: germline.
Comment: The FGFR1 c.1774G>A (p.Glu592Lys) variant was identified at near heterozygous allelic fraction. This variant, to our knowledge, has not been reported in the medical literature and it is only observed on 1/152194 alleles in the general population (gnomAD v.3.1.2), indicating it is not a common variant. This variant has been reported in the ClinVar database as a germline variant of uncertain significance in Pfeiffer syndrome by one submitter (ClinVar Variation ID: 1386784). Computational predictors are uncertain as to the impact of this variant on FGFR1 function. Based on available information, and based on ACMG/AMP guidelines for variant interpretation (Richards S et al., PMID: 25741868) the FGFR1 c.1774G>A (p.Glu592Lys) variant is classified as a variant of uncertain significance (VUS).

NM_023110.3(FGFR1):c.1774G>A (p.Glu592Lys)

Gene: FGFR1 (fibroblast growth factor receptor 1; minus strand). Cytogenetic location: 8p11.23.
Variant type: single nucleotide variant.
Coding change: c.1774G>A on transcript NM_023110.3 (MANE Select); coding-DNA position 1774, G replaced by A.
Protein change: p.Glu592Lys; replaces glutamic acid 592 with lysine.
Molecular consequence: missense variant.
Genome position (GRCh38, 1-based): chr8:38,415,950, C>T on the plus strand (G>A on the coding strand, the complement: FGFR1 is on the minus strand). VCF-style: chr8-38415950-C-T. GRCh37 (hg19) VCF-style: chr8-38273468-C-T.
Other names: c.1768G>A, p.Glu590Lys (NM_001174063.2, NM_001174065.2, NM_001354367.2 and 1 more transcripts); c.1744G>A, p.Glu582Lys (NM_001174064.2); c.1507G>A, p.Glu503Lys (NM_001174066.2, NM_023105.3); c.1867G>A, p.Glu623Lys (NM_001174067.2); c.1495G>A, p.Glu499Lys (NM_001354368.2); c.1762G>A, p.Glu588Lys (NM_001354369.2); c.1501G>A, p.Glu501Lys (NM_001354370.2, NM_023106.3); short protein forms E499K, E503K, E582K, E588K, E590K, E623K, E501K, E592K.
Identifiers: ClinVar variation 1386784 (VCV001386784.7), dbSNP rs755002934, ClinGen allele CA4718284.